The following is an entry in ClinVar:

NM_018896.5(CACNA1G):c.5780C>T (p.Thr1927Met)

Gene: CACNA1G (calcium voltage-gated channel subunit alpha1 G; plus strand). Cytogenetic location: 17q21.33.
Variant type: single nucleotide variant.
Coding change: c.5780C>T on transcript NM_018896.5 (MANE Select); coding-DNA position 5780, C replaced by T.
Protein change: p.Thr1927Met; replaces threonine 1927 with methionine.
Molecular consequence: missense variant. On other transcripts: non-coding transcript variant (5).
Genome position (GRCh38, 1-based): chr17:50,619,007, C>T. VCF-style: chr17-50619007-C-T. GRCh37 (hg19) VCF-style: chr17-48696368-C-T.
Other names: c.5645C>T, p.Thr1882Met (NM_001256330.2, NM_001256326.2); c.5624C>T, p.Thr1875Met (NM_001256331.2); c.5609C>T, p.Thr1870Met (NM_001256332.2); c.5780C>T, p.Thr1927Met (NM_001256333.2, NM_198384.3, NM_198385.3); c.5747C>T, p.Thr1916Met (NM_001256334.2, NM_198377.3, NM_198378.3 and 1 more transcripts); c.5699C>T, p.Thr1900Met (NM_001256359.2); c.5672C>T, p.Thr1891Met (NM_001256360.2); c.5666C>T, p.Thr1889Met (NM_001256361.2); and 8 more; short protein forms T1875M, T1882M, T1900M, T1909M, T1893M, T1916M, T1927M, T1934M.
Identifiers: ClinVar variation 3715233 (VCV003715233.3).

ClinVar aggregate classification (germline): Conflicting classifications of pathogenicity. Review status: criteria provided, conflicting classifications (1 of 4 stars). 2 submissions from 2 submitters: Uncertain significance (1); Likely benign (1). Last evaluated 2025-06-18.

Conditions:
Inborn genetic diseases. Identifiers: MedGen C0950123, MeSH D030342.

gnomAD v4.1: 47 of 1,517,716 alleles (0.0031%); highest among the groups gnomAD compares: South Asian, 0.014%; no homozygotes.

Submissions (2):

Ambry Genetics
Classification: Likely benign for Inborn genetic diseases. Last evaluated: 2025-06-18. Review status: criteria provided, single submitter. Criteria: Ambry Variant Classification Scheme 2023. Collection method: clinical testing. Allele origin: germline.

Labcorp Genetics (formerly Invitae), Labcorp
Classification: Uncertain significance. Last evaluated: 2024-12-04. Review status: criteria provided, single submitter. Criteria: Invitae Variant Classification Sherloc (09022015). Collection method: clinical testing. Allele origin: germline.
Comment: This sequence change replaces threonine, which is neutral and polar, with methionine, which is neutral and non-polar, at codon 1927 of the CACNA1G protein (p.Thr1927Met). The frequency data for this variant in the population databases is considered unreliable, as metrics indicate poor data quality at this position in the gnomAD database. This variant has not been reported in the literature in individuals affected with CACNA1G-related conditions. An algorithm developed to predict the effect of missense changes on protein structure and function outputs the following: PolyPhen-2: "Benign". The methionine amino acid residue is found in multiple mammalian species, which suggests that this missense change does not adversely affect protein function. In summary, the available evidence is currently insufficient to determine the role of this variant in disease. Therefore, it has been classified as a Variant of Uncertain Significance.